The following is an entry in ClinVar:

NM_001044.5(SLC6A3):c.1762C>T (p.Arg588Ter)

Gene: SLC6A3 (solute carrier family 6 member 3). Cytogenetic location: 5p15.33.
Variant type: single nucleotide variant.
Coding change: c.1762C>T on transcript NM_001044.5 (MANE Select); coding-DNA position 1762, C replaced by T.
Protein change: p.Arg588Ter; replaces arginine 588 with a stop codon.
Molecular consequence: nonsense.
Genome position (GRCh38, 1-based): chr5:1,402,927, G>A on the plus strand (C>T on the coding strand, the complement: SLC6A3 is on the minus strand). VCF-style: chr5-1402927-G-A. GRCh37 (hg19) VCF-style: chr5-1403042-G-A.
Other names: short protein forms R588*.
Identifiers: ClinVar variation 4807211 (VCV004807211.1).

ClinVar aggregate classification (germline): Pathogenic (1 of 4 stars; one submission).

Conditions:
Parkinsonism-dystonia, infantile. Identifiers: Orphanet 238455, MedGen C2751067, MONDO:0013150.

gnomAD v4.1: 1 of 1,613,370 alleles (0.000062%); highest among the groups gnomAD compares: Non-Finnish European, 0.000085%; no homozygotes.

Submission:

Labcorp Genetics (formerly Invitae), Labcorp
Classification: Pathogenic for Parkinsonism-dystonia, infantile. Last evaluated: 2025-10-21. Review status: criteria provided, single submitter. Criteria: Invitae Variant Classification Sherloc (09022015). Collection method: clinical testing. Allele origin: germline.
Comment: This sequence change creates a premature translational stop signal (p.Arg588*) in the SLC6A3 gene. It is expected to result in an absent or disrupted protein product. Loss-of-function variants in SLC6A3 are known to be pathogenic (PMID: 21112253). This variant is present in population databases (no rsID available, gnomAD 0.0009%). This variant has not been reported in the literature in individuals affected with SLC6A3-related conditions. For these reasons, this variant has been classified as Pathogenic.

Literature cited by the submitters: PubMed 21112253.